The following is an entry in ClinVar:

ClinVar aggregate classification (germline): Uncertain significance (1 of 4 stars; one submission).

Conditions:
Duchenne muscular dystrophy (DMD). Also called: MUSCULAR DYSTROPHY, PSEUDOHYPERTROPHIC PROGRESSIVE, DUCHENNE TYPE; Duchenne Muscular Dystrophy (DMD). Identifiers: Orphanet 98896, MedGen C0013264, MONDO:0010679, OMIM 310200.

Submission:

Labcorp Genetics (formerly Invitae), Labcorp
Classification: Uncertain significance for Duchenne muscular dystrophy. Last evaluated: 2022-04-07. Review status: criteria provided, single submitter. Criteria: Invitae Variant Classification Sherloc (09022015). Collection method: clinical testing. Allele origin: germline.
Comment: In summary, the available evidence is currently insufficient to determine the role of this variant in disease. Therefore, it has been classified as a Variant of Uncertain Significance. Algorithms developed to predict the effect of missense changes on protein structure and function (SIFT, PolyPhen-2, Align-GVGD) all suggest that this variant is likely to be disruptive. This variant has not been reported in the literature in individuals affected with DMD-related conditions. This variant is not present in population databases (gnomAD no frequency). This sequence change replaces glutamic acid, which is acidic and polar, with glycine, which is neutral and non-polar, at codon 1468 of the DMD protein (p.Glu1468Gly).

NM_004006.3(DMD):c.4403A>G (p.Glu1468Gly)

Gene: DMD (dystrophin; minus strand). Cytogenetic location: Xp21.1.
Variant type: single nucleotide variant.
Coding change: c.4403A>G on transcript NM_004006.3 (MANE Select); coding-DNA position 4403, A replaced by G.
Protein change: p.Glu1468Gly; replaces glutamic acid 1468 with glycine.
Molecular consequence: missense variant.
Genome position (GRCh38, 1-based): chrX:32,389,616, T>C on the plus strand (A>G on the coding strand, the complement: DMD is on the minus strand). VCF-style: chrX-32389616-T-C. GRCh37 (hg19) VCF-style: chrX-32407733-T-C.
Other names: c.4379A>G, p.Glu1460Gly (NM_000109.4); c.4391A>G, p.Glu1464Gly (NM_004009.3); c.4034A>G, p.Glu1345Gly (NM_004010.3); c.380A>G, p.Glu127Gly (NM_004011.4); c.371A>G, p.Glu124Gly (NM_004012.4); short protein forms E124G, E127G, E1464G, E1468G, E1345G, E1460G.
Identifiers: ClinVar variation 2122719 (VCV002122719.4), dbSNP rs2523117852, ClinGen allele CA412663606.
Genomic context (GRCh38, chrX:32,389,616, plus strand): 5'-AATGCAGGCAAGTGCATCTTCACTTCATCTAAAATCATCTTACTTTCTTGTAGACGCTGC[T>C]CAAAATTGGCTGGTTTCTGGAATAATCGAAACTTCATGGAGACATCTTGTAATTTTTTCT-3'
Protein context (NP_003997.2, residues 1458-1478): FRLFQKPANF[Glu1468Gly]QRLQESKMIL